The following is an entry in ClinVar:

ClinVar aggregate classification (germline): Conflicting classifications of pathogenicity. Review status: criteria provided, conflicting classifications (1 of 4 stars). 4 submissions from 4 submitters: Uncertain significance (3); Likely benign (1). Last evaluated 2026-02-03.

Conditions:
Cardiovascular phenotype. Identifiers: MedGen CN230736.
Hypertrophic cardiomyopathy. Also called: HYPERTROPHIC MYOCARDIOPATHY. Identifiers: Orphanet 217569, MedGen C0007194, MeSH D002312, MONDO:0005045, HP:0001639.
Cardiomyopathy (CMYO). Also called: Cardiomyopathies. Identifiers: Orphanet 167848, MedGen C0878544, MONDO:0004994, HP:0001638. Inheritance: Various modes of inheritance.

gnomAD v4.1: 26 of 1,613,992 alleles (0.0016%); highest among the groups gnomAD compares: Non-Finnish European, 0.0021%; no homozygotes.

Submissions (4):

Ambry Genetics
Classification: Likely benign for Cardiovascular phenotype. Last evaluated: 2026-02-03. Review status: criteria provided, single submitter. Criteria: Ambry Variant Classification Scheme 2023. Collection method: clinical testing. Allele origin: germline.

Labcorp Genetics (formerly Invitae), Labcorp
Classification: Uncertain significance for Hypertrophic cardiomyopathy. Last evaluated: 2025-09-28. Review status: criteria provided, single submitter. Criteria: Invitae Variant Classification Sherloc (09022015). Collection method: clinical testing. Allele origin: germline.
Comment: This sequence change replaces alanine, which is neutral and non-polar, with valine, which is neutral and non-polar, at codon 1263 of the MYH7 protein (p.Ala1263Val). This variant is present in population databases (no rsID available, gnomAD 0.0009%). This variant has not been reported in the literature in individuals affected with MYH7-related conditions. ClinVar contains an entry for this variant (Variation ID: 454369). Invitae Evidence Modeling of protein sequence and biophysical properties (such as structural, functional, and spatial information, amino acid conservation, physicochemical variation, residue mobility, and thermodynamic stability) indicates that this missense variant is not expected to disrupt MYH7 protein function with a negative predictive value of 95%. In summary, the available evidence is currently insufficient to determine the role of this variant in disease. Therefore, it has been classified as a Variant of Uncertain Significance.

GeneDx
Classification: Uncertain significance. Last evaluated: 2024-08-26. Review status: criteria provided, single submitter. Criteria: GeneDx Variant Classification Process June 2021. Collection method: clinical testing. Allele origin: germline. Affected: yes.
Comment: Not observed at significant frequency in large population cohorts (gnomAD); In silico analysis indicates that this missense variant does not alter protein structure/function; Has not been previously published as pathogenic or benign to our knowledge

All of Us Research Program, National Institutes of Health
Classification: Uncertain significance for Cardiomyopathy. Last evaluated: 2024-02-05. Review status: criteria provided, single submitter. Criteria: ACMG Guidelines, 2015. Collection method: clinical testing. Allele origin: germline. Inheritance: Autosomal dominant inheritance. Observed: 2 variant alleles, 2 heterozygotes.
Comment: This missense variant replaces alanine with valine at codon 1263 of the MYH7 protein. Computational prediction suggests that this variant may not impact protein structure and function (internally defined REVEL score threshold <= 0.5, PMID: 27666373). To our knowledge, functional studies have not been reported for this variant. This variant has not been reported in individuals affected with MYH7-related disorders in the literature. This variant has been identified in 1/251446 chromosomes in the general population by the Genome Aggregation Database (gnomAD). The available evidence is insufficient to determine the role of this variant in disease conclusively. Therefore, this variant is classified as a Variant of Uncertain Significance.

This study involves interpretation of variants in research participants for the purpose of population health screening. Participant phenotype was not available at the time of variant classification. Additional details can be found in publication PMID: 35346344, PMCID: PMC8962531

NM_000257.4(MYH7):c.3788C>T (p.Ala1263Val)

Gene: MYH7 (myosin heavy chain 7; minus strand). Cytogenetic location: 14q11.2.
Variant type: single nucleotide variant.
Coding change: c.3788C>T on transcript NM_000257.4 (MANE Select); coding-DNA position 3788, C replaced by T.
Protein change: p.Ala1263Val; replaces alanine 1263 with valine.
Molecular consequence: missense variant.
Genome position (GRCh38, 1-based): chr14:23,419,548, G>A on the plus strand (C>T on the coding strand, the complement: MYH7 is on the minus strand). VCF-style: chr14-23419548-G-A. GRCh37 (hg19) VCF-style: chr14-23888757-G-A.
Other names: c.3788C>T (NM_000257.2); short protein forms A1263V.
Identifiers: ClinVar variation 454369 (VCV000454369.15), dbSNP rs758889483, ClinGen allele CA389042619.